The following is an entry in ClinVar:

ClinVar aggregate classification (germline): Likely benign (0 of 4 stars; one submission).

Conditions:
CUX1-related disorder. Also called: CUX1-related condition.

Allele frequency attached by ClinVar (database versions not stated): ESP Exome Variant Server 0.00008; TOPMed 0.00008; gnomAD 0.00010; ExAC 0.00017.
gnomAD v4.1: 328 of 1,614,018 alleles (0.02%); highest among the groups gnomAD compares: Non-Finnish European, 0.026%; no homozygotes.

Submission:

PreventionGenetics, part of Exact Sciences
Classification: Likely benign for CUX1-related condition. Last evaluated: 2020-01-31. Review status: no assertion criteria provided. Collection method: clinical testing. Allele origin: germline.
Comment: This variant is classified as likely benign based on ACMG/AMP sequence variant interpretation guidelines (Richards et al. 2015 PMID: 25741868, with internal and published modifications).

NM_181552.4(CUX1):c.1076+9G>A

Gene: CUX1 (cut like homeobox 1; plus strand). Cytogenetic location: 7q22.1.
Variant type: single nucleotide variant.
Coding change: c.1076+9G>A on transcript NM_181552.4 (MANE Select); 9 bases into the intron after coding-DNA position 1076, G replaced by A.
Molecular consequence: intron variant.
Genome position (GRCh38, 1-based): chr7:102,189,880, G>A. VCF-style: chr7-102189880-G-A. GRCh37 (hg19) VCF-style: chr7-101833160-G-A.
Other names: c.1109+9G>A (NM_001913.5, NM_001202543.2); c.1103+9G>A (NM_181500.4); c.971+9G>A (NM_001202545.3); c.1061+9G>A (NM_001202544.3); c.992+9G>A (NM_001202546.3).
Identifiers: ClinVar variation 3051364 (VCV003051364.2), dbSNP rs373425128, ClinGen allele CA4410718.